The following is an entry in ClinVar:

ClinVar aggregate classification (germline): Conflicting classifications of pathogenicity. Review status: criteria provided, conflicting classifications (1 of 4 stars). 2 submissions from 2 submitters: Uncertain significance (1); Likely benign (1). Last evaluated 2022-03-22.

Conditions:
Inborn genetic diseases. Identifiers: MedGen C0950123, MeSH D030342.

Allele frequency attached by ClinVar (database versions not stated): gnomAD 0.00001; ExAC 0.00002.
gnomAD v4.1: 35 of 1,600,602 alleles (0.0022%); highest among the groups gnomAD compares: Non-Finnish European, 0.0022%; no homozygotes.

Submissions (2):

Blueprint Genetics
Classification: Likely benign. Last evaluated: 2022-03-22. Review status: criteria provided, single submitter. Criteria: ACMG Guidelines, 2015. Collection method: clinical testing. Allele origin: germline.

Ambry Genetics
Classification: Uncertain significance for Inborn genetic diseases. Last evaluated: 2019-12-23. Review status: criteria provided, single submitter. Criteria: Ambry Variant Classification Scheme 2023. Collection method: clinical testing. Allele origin: germline.
Comment: The c.3653-4A>G intronic variant results from an A to G substitution 4 nucleotides upstream from coding exon 28 in the SBF2 gene. This nucleotide position is not well conserved in available vertebrate species. Using the BDGP and ESEfinder splice site prediction tools, this alteration is not predicted to have any significant effect on this splice acceptor site; however, direct evidence is unavailable. Since supporting evidence is limited at this time, the clinical significance of this alteration remains unclear.

NM_030962.4(SBF2):c.3653-4A>G

Gene: SBF2 (SET binding factor 2; minus strand). Cytogenetic location: 11p15.4.
Variant type: single nucleotide variant.
Coding change: c.3653-4A>G on transcript NM_030962.4 (MANE Select); 4 bases into the intron before coding-DNA position 3653, A replaced by G.
Molecular consequence: intron variant.
Genome position (GRCh38, 1-based): chr11:9,829,500, T>C on the plus strand (A>G on the coding strand, the complement: SBF2 is on the minus strand). VCF-style: chr11-9829500-T-C. GRCh37 (hg19) VCF-style: chr11-9851047-T-C.
Other names: c.3524-4A>G (NM_001386342.1); c.3653-4A>G (NM_001386339.1).
Identifiers: ClinVar variation 1733614 (VCV001733614.3), dbSNP rs764956946, ClinGen allele CA5881197.
Genomic context (GRCh38, chr11:9,829,500, plus strand): 5'-CTTGCAAGTATTTCTCTTGTTCTATGCTACTGGAAGATTCTAAAGAGGAGGTAGGAGCTA[T>C]AAAAGGAAAATATATTGAATAAAATAAACTGTCTCTGTGTTAACAAAACAAGTATCTATC-3'